The following continues an entry in ClinVar:

NM_007294.4(BRCA1):c.3358_3359del (p.Thr1119_Val1120insTer)

ClinVar aggregate classification (germline): Pathogenic. Pathogenic (1).

Submissions 13 to 14 of 14:

Breast Cancer Information Core (BIC) (BRCA1)
Classification: Pathogenic for Breast-ovarian cancer, familial 1. Last evaluated: 2002-05-29. Review status: no assertion criteria provided. Collection method: clinical testing. Allele origin: germline. Affected: yes. Observed: 4 variant alleles. Not counted in ClinVar's aggregate classification.

Department of Pathology and Laboratory Medicine, Sinai Health System
Classification: Pathogenic for Malignant tumor of breast. Review status: no assertion criteria provided. Collection method: clinical testing. Allele origin: unknown. Affected: yes. Study: The Canadian Open Genetics Repository (COGR). Not counted in ClinVar's aggregate classification.
Comment: The BRCA1 p.Val1120fsX variant was identified in 1 of 1978 proband chromosomes (frequency: 5.1x10-4) in unrelated patients from German breast or ovarian cancer families (Meindl 2002). The variant is listed in the dbSNP database (ID#: rs80357945) â€šÃ„Ãºwith pathogenic alleleâ€šÃ„Ã¹, but no frequency information was provided, thus the prevalence of this variant in the general population could not be determined. The variant was not found in the 1000 Genomes Project, NHLBI Exome Sequencing Project (Exome Variant Server) and Exome Aggregation Consortium (ExAC) databases. The variant was identified 3x in ClinVar database classified as a pathogenic variant by the Sharing Clinical Reports Project, derived from Myriad reports; as pathogenic by BIC and no classification was provided by Invitae. In the BIC database the variant was identified 4x with clinical importance and classified as pathogenic. In ARUP laboratories database the variant was identified 1x and classified as pathogenic. The p.Val1120fsX deletion variant is predicted to cause a frameshift, which alters the protein's amino acid sequence beginning at codon 1120 and leads to a premature stop codon at position 1120. This alteration is then predicted to result in a truncated or absent protein and loss of function. Loss of function variants of the BRCA1 gene are an established mechanism of disease in hereditary breast and ovarian cancer and is the type of variant expected to cause the disorder. In summary, based on the above information, this variant meets our laboratoryâ€šÃ„Ã´s criteria to be classified as pathogenic.

Literature cited by the submitters: PubMed 20104584 (cited by Labcorp Genetics (formerly Invitae), Labcorp); PubMed 11802209 (cited by 5 submitters); PubMed 26287763 (cited by 4 submitters); PubMed 16644204 (cited by Ambry Genetics and Women's Health and Genetics/Laboratory Corporation of America, LabCorp); PubMed 32125938 (cited by Ambry Genetics); PubMed 32427313 (cited by Quest Diagnostics Nichols Institute San Juan Capistrano and Women's Health and Genetics/Laboratory Corporation of America, LabCorp); PubMed 26564481 (cited by Quest Diagnostics Nichols Institute San Juan Capistrano); PubMed 23458327 (cited by Quest Diagnostics Nichols Institute San Juan Capistrano and Women's Health and Genetics/Laboratory Corporation of America, LabCorp); PubMed 12672316 (cited by Quest Diagnostics Nichols Institute San Juan Capistrano and Counsyl); PubMed 16267036 (cited by Women's Health and Genetics/Laboratory Corporation of America, LabCorp); PubMed 20406939 (cited by Women's Health and Genetics/Laboratory Corporation of America, LabCorp).